The following is an entry in ClinVar:

NM_178863.5(KCTD13):c.64T>G (p.Ser22Ala)

Genes: KCTD13 (potassium channel tetramerization domain containing 13; minus strand), LOC130058798 (ATAC-STARR-seq lymphoblastoid silent region 7344; plus strand). Cytogenetic location: 16p11.2.
Variant type: single nucleotide variant.
Coding change: c.64T>G on transcript NM_178863.5 (MANE Select); coding-DNA position 64, T replaced by G.
Protein change: p.Ser22Ala; replaces serine 22 with alanine.
Molecular consequence: missense variant. On other transcripts: non-coding transcript variant (1).
Genome position (GRCh38, 1-based): chr16:29,925,970, A>C on the plus strand (T>G on the coding strand, the complement: KCTD13 is on the minus strand). VCF-style: chr16-29925970-A-C. GRCh37 (hg19) VCF-style: chr16-29937291-A-C.
Other names: c.64T>G, p.Ser22Ala (NM_001410898.1); c.64T>G (NM_178863.2); short protein forms S22A.
Identifiers: ClinVar variation 3354065 (VCV003354065.2).

ClinVar aggregate classification (germline): Uncertain significance. Review status: criteria provided, single submitter (1 of 4 stars). 2 submissions from 2 submitters: Uncertain significance (1). 1 of the submissions does not count toward it. Last evaluated 2025-01-01.

Conditions:
KCTD13-related disorder. Also called: KCTD13-related condition.

gnomAD v4.1: 8 of 1,612,440 alleles (0.0005%); highest among the groups gnomAD compares: African/African-American, 0.0013%; no homozygotes.

Submissions (2):

Ambry Genetics
Classification: Uncertain significance. Last evaluated: 2025-01-01. Review status: criteria provided, single submitter. Criteria: Ambry Variant Classification Scheme 2023. Collection method: clinical testing. Allele origin: germline.

PreventionGenetics, part of Exact Sciences
Classification: Uncertain significance for KCTD13-related condition. Last evaluated: 2024-06-27. Review status: no assertion criteria provided. Collection method: clinical testing. Allele origin: germline. Not counted in ClinVar's aggregate classification.
Comment: The KCTD13 c.64T>G variant is predicted to result in the amino acid substitution p.Ser22Ala. To our knowledge, this variant has not been reported in the literature or in a large population database, indicating this variant is rare. At this time, the clinical significance of this variant is uncertain due to the absence of conclusive functional and genetic evidence.